The following is an entry in ClinVar:

NM_024334.3(TMEM43):c.1156C>T (p.Pro386Ser)

Gene: TMEM43 (transmembrane protein 43; plus strand). Cytogenetic location: 3p25.1.
Variant type: single nucleotide variant.
Coding change: c.1156C>T on transcript NM_024334.3 (MANE Select); coding-DNA position 1156, C replaced by T.
Protein change: p.Pro386Ser; replaces proline 386 with serine.
Molecular consequence: missense variant.
Genome position (GRCh38, 1-based): chr3:14,141,748, C>T. VCF-style: chr3-14141748-C-T. GRCh37 (hg19) VCF-style: chr3-14183248-C-T.
Other names: short protein forms P386S.
Identifiers: ClinVar variation 937703 (VCV000937703.10), dbSNP rs1430520295, ClinGen allele CA351536638.

ClinVar aggregate classification (germline): Uncertain significance. Review status: criteria provided, multiple submitters, no conflicts (2 of 4 stars). 2 submissions from 2 submitters: Uncertain significance (2). Last evaluated 2023-08-30.

Conditions:
Arrhythmogenic right ventricular dysplasia 5. Also called: Arrhythmogenic Right Ventricular Dysplasia/Cardiomyopathy 5; ARRHYTHMOGENIC RIGHT VENTRICULAR DYSPLASIA, FAMILIAL, 5. Identifiers: MedGen C1858379, MONDO:0011459, OMIM 604400.

Allele frequency attached by ClinVar (database versions not stated): TOPMed 0.00002.

Submissions (2):

Labcorp Genetics (formerly Invitae), Labcorp
Classification: Uncertain significance for Arrhythmogenic right ventricular dysplasia 5. Last evaluated: 2023-08-30. Review status: criteria provided, single submitter. Criteria: Invitae Variant Classification Sherloc (09022015). Collection method: clinical testing. Allele origin: germline.
Comment: In summary, the available evidence is currently insufficient to determine the role of this variant in disease. Therefore, it has been classified as a Variant of Uncertain Significance. Advanced modeling of protein sequence and biophysical properties (such as structural, functional, and spatial information, amino acid conservation, physicochemical variation, residue mobility, and thermodynamic stability) performed at Invitae indicates that this missense variant is not expected to disrupt TMEM43 protein function. ClinVar contains an entry for this variant (Variation ID: 937703). This variant has not been reported in the literature in individuals affected with TMEM43-related conditions. This variant is not present in population databases (gnomAD no frequency). This sequence change replaces proline, which is neutral and non-polar, with serine, which is neutral and polar, at codon 386 of the TMEM43 protein (p.Pro386Ser).

Phosphorus, Inc.
Classification: Uncertain significance. Last evaluated: 2022-01-14. Review status: criteria provided, single submitter. Criteria: ACMG Guidelines, 2015. Collection method: clinical testing. Allele origin: germline. Inheritance: Autosomal dominant inheritance.
Comment: This missense variant results in an amino acid substitution of proline with serine at codon 386 of the TMEM43 gene. The variant has an entry in ClinVar (937703) NM_024334.3 (TMEM43): c.1156C>T (p.Pro386Ser) and has not occurred in population databases. This position is conserved. In silico functional algorithms agreed, with PolyPhen calling it probably damaging, and SIFT deleterious, but no functional studies were performed to confirm these predictions. The variant has not occurred in literature associated with disease. Considering that this is a rare variant, whose impact on the protein and association with disease are unknown, it has been classified as a Variant of Uncertain Significance.